The following is an entry in ClinVar:

ClinVar aggregate classification (germline): Uncertain significance (1 of 4 stars; one submission).

Submission:

Labcorp Genetics (formerly Invitae), Labcorp
Classification: Uncertain significance. Last evaluated: 2026-01-21. Review status: criteria provided, single submitter. Criteria: Invitae Variant Classification Sherloc (09022015). Collection method: clinical testing. Allele origin: germline.
Comment: This sequence change replaces aspartic acid, which is acidic and polar, with histidine, which is basic and polar, at codon 610 of the CDAN1 protein (p.Asp610His). This variant is present in population databases (no rsID available, gnomAD 0.01%). This variant has not been reported in the literature in individuals affected with CDAN1-related conditions. An algorithm developed to predict the effect of missense changes on protein structure and function (PolyPhen-2) suggests that this variant is likely to be disruptive. In summary, the available evidence is currently insufficient to determine the role of this variant in disease. Therefore, it has been classified as a Variant of Uncertain Significance.

NM_138477.4(CDAN1):c.1828G>C (p.Asp610His)

Gene: CDAN1 (codanin 1; minus strand). Cytogenetic location: 15q15.2.
Variant type: single nucleotide variant.
Coding change: c.1828G>C on transcript NM_138477.4 (MANE Select); coding-DNA position 1828, G replaced by C.
Protein change: p.Asp610His; replaces aspartic acid 610 with histidine.
Molecular consequence: missense variant.
Genome position (GRCh38, 1-based): chr15:42,731,243, C>G on the plus strand (G>C on the coding strand, the complement: CDAN1 is on the minus strand). VCF-style: chr15-42731243-C-G. GRCh37 (hg19) VCF-style: chr15-43023441-C-G.
Other names: short protein forms D610H.
Identifiers: ClinVar variation 4706152 (VCV004706152.1).